The following is an entry in ClinVar:

ClinVar aggregate classification (germline): Uncertain significance (1 of 4 stars; one submission).

Allele frequency attached by ClinVar (database versions not stated): TOPMed below 0.00001; ExAC 0.00001; gnomAD 0.00001.
gnomAD v4.1: 2 of 1,601,176 alleles (0.00012%); highest among the groups gnomAD compares: African/African-American, 0.0027%; no homozygotes.

Submission:

GeneDx
Classification: Uncertain significance. Last evaluated: 2022-09-19. Review status: criteria provided, single submitter. Criteria: GeneDx Variant Classification Process June 2021. Collection method: clinical testing. Allele origin: germline. Affected: yes.
Comment: Not observed at significant frequency in large population cohorts (gnomAD); In silico analysis supports that this missense variant does not alter protein structure/function; Has not been previously published as pathogenic or benign to our knowledge

NM_004456.5(EZH2):c.817C>A (p.Gln273Lys)

Gene: EZH2 (enhancer of zeste 2 polycomb repressive complex 2 subunit; minus strand). Cytogenetic location: 7q36.1.
Variant type: single nucleotide variant.
Coding change: c.817C>A on transcript NM_004456.5 (MANE Select); coding-DNA position 817, C replaced by A.
Protein change: p.Gln273Lys; replaces glutamine 273 with lysine.
Molecular consequence: missense variant.
Genome position (GRCh38, 1-based): chr7:148,826,544, G>T on the plus strand (C>A on the coding strand, the complement: EZH2 is on the minus strand). VCF-style: chr7-148826544-G-T. GRCh37 (hg19) VCF-style: chr7-148523636-G-T.
Other names: c.817C>A, p.Gln273Lys (NM_001203247.2); c.790C>A, p.Gln264Lys (NM_001203248.2, NM_001203249.2); c.700C>A, p.Gln234Lys (NM_152998.3); short protein forms Q234K, Q264K, Q273K.
Identifiers: ClinVar variation 1706327 (VCV001706327.2), dbSNP rs763682209, ClinGen allele CA4548029.
Genomic context (GRCh38, chr7:148,826,544, plus strand): 5'-CATATTTAAAACATCGCCTACAGAAAAGCGTATGAAAGGAGTGTAAGCTTTGCTCTCTCT[G>T]AACAGATTTAGCATTTGGTCCATCTATGTTGGGGGTACATTCAGGAGGAAGTGCGCCTGG-3'
Protein context (NP_004447.2, residues 263-283): NIDGPNAKSV[Gln273Lys]REQSLHSFHT